The following is an entry in ClinVar:

NM_019594.4(LRRC8A):c.1860C>A (p.Asp620Glu)

Gene: LRRC8A (leucine rich repeat containing 8 VRAC subunit A; plus strand). Cytogenetic location: 9q34.11.
Variant type: single nucleotide variant.
Coding change: c.1860C>A on transcript NM_019594.4 (MANE Select); coding-DNA position 1860, C replaced by A.
Protein change: p.Asp620Glu; replaces aspartic acid 620 with glutamic acid.
Molecular consequence: missense variant.
Genome position (GRCh38, 1-based): chr9:128,909,024, C>A. VCF-style: chr9-128909024-C-A. GRCh37 (hg19) VCF-style: chr9-131671303-C-A.
Other names: c.1860C>A, p.Asp620Glu (NM_001127244.2, NM_001127245.2); short protein forms D620E.
Identifiers: ClinVar variation 4799218 (VCV004799218.1).
Genomic context (GRCh38, chr9:128,909,024, plus strand): 5'-CTGTGACCTGGAGCGCATCCCCCACTCCATCTTCAGCCTCCACAACCTGCAGGAGATTGA[C>A]CTCAAGGACAACAACCTCAAGACCATCGAGGAGATCATCAGCTTCCAGCACCTGCACCGC-3'
Protein context (NP_062540.2, residues 610-630): IFSLHNLQEI[Asp620Glu]LKDNNLKTIE

ClinVar aggregate classification (germline): Uncertain significance (1 of 4 stars; one submission).

gnomAD v4.1: 1 of 1,614,146 alleles (0.000062%); highest among the groups gnomAD compares: South Asian, 0.0011%; no homozygotes.

Submission:

Labcorp Genetics (formerly Invitae), Labcorp
Classification: Uncertain significance. Last evaluated: 2025-02-26. Review status: criteria provided, single submitter. Criteria: Invitae Variant Classification Sherloc (09022015). Collection method: clinical testing. Allele origin: germline.
Comment: This sequence change replaces aspartic acid, which is acidic and polar, with glutamic acid, which is acidic and polar, at codon 620 of the LRRC8A protein (p.Asp620Glu). This variant is not present in population databases (gnomAD no frequency). This variant has not been reported in the literature in individuals affected with LRRC8A-related conditions. An algorithm developed to predict the effect of missense changes on protein structure and function (PolyPhen-2) suggests that this variant is likely to be tolerated. In summary, the available evidence is currently insufficient to determine the role of this variant in disease. Therefore, it has been classified as a Variant of Uncertain Significance.